The following is an entry in ClinVar:

NM_001033855.3(DCLRE1C):c.404G>A (p.Gly135Glu)

Gene: DCLRE1C (DNA cross-link repair 1C; minus strand). Cytogenetic location: 10p13.
Variant type: single nucleotide variant.
Coding change: c.404G>A on transcript NM_001033855.3 (MANE Select); coding-DNA position 404, G replaced by A.
Protein change: p.Gly135Glu; replaces glycine 135 with glutamic acid.
Molecular consequence: missense variant. On other transcripts: non-coding transcript variant (4).
Genome position (GRCh38, 1-based): chr10:14,935,523, C>T on the plus strand (G>A on the coding strand, the complement: DCLRE1C is on the minus strand). VCF-style: chr10-14935523-C-T. GRCh37 (hg19) VCF-style: chr10-14977522-C-T.
Other names: NR_146961.2:n.519G>A; c.44G>A, p.Gly15Glu (NM_001033857.3, NM_001033858.3, NM_001289077.2 and 2 more transcripts); c.59G>A, p.Gly20Glu (NM_001289076.2, NM_001289078.2, NM_001350966.2 and 1 more transcripts); c.404G>A, p.Gly135Glu (NM_001350965.2); short protein forms G135E, G15E, G20E.
Identifiers: ClinVar variation 4851281 (VCV004851281.1).

ClinVar aggregate classification (germline): Likely pathogenic (3 of 4 stars; one submission).

Conditions:
Severe combined immunodeficiency due to DCLRE1C deficiency (RS-SCID). Also called: SCID, AUTOSOMAL RECESSIVE, T CELL-NEGATIVE, B CELL-NEGATIVE, NK CELL-POSITIVE, WITH SENSITIVITY TO IONIZING RADIATION. Identifiers: Orphanet 275, MedGen C1865371, MONDO:0011225, OMIM 602450.

Submission:

ClinGen Severe Combined Immunodeficiency Variant Curation Expert Panel, ClinGen
Classification: Likely pathogenic for Severe combined immunodeficiency due to DCLRE1C deficiency. Last evaluated: 2026-05-05. Review status: reviewed by expert panel. Criteria: ClinGen SCID ACMG Specifications DCLRE1C V2.1.0. Collection method: curation. Allele origin: germline. Inheritance: Autosomal recessive inheritance.
Comment: The NM_001033855.3(DCLRE1C):c.404G>A (p.Gly135Glu) variant is absent from gnomAD, therefore meeting PM2_Supporting criteria. This variant has been identified as homozygous in 2 related individuals with radiosensitive T-B-NK+ SCID (PMID: 12406895). Of note, the variant is referred to as p.Gly128Glu in this publication. Parents were reportedly non-consanguineous and homozygosity was confirmed via Southern blot hybridization. V(D)J recombination assays performed on patient derived fibroblasts demonstrated ability to form signal joints but not coding joints. Co-transfection of a wildtype Artemis expression construct restored coding joint formation. Using one related individual as proband, PP4 criteria is met at the moderate level: T-B-NK+ SCID (0.5p), increased radiosensitivity (0.5p), decreased V(D)J recombination (0.5p), vector based complementation corrects decreased V(D)J recombination (2p) = 3.5p (PP4_Moderate). Since the two individuals are related, only one individual can be counted toward PM3 (0.5p for one homozygous occurrence), therefore PM3_Supporting is met. The other related individual can be used as one informative affected for segregation resulting in LOD score of 0.6, meeting PP1 criteria. This variant has also been reported to exhibit decreased V(D)J recombination (11.57% of wildtype) and DNA repair activity (42.84% of wildtype) in in-vitro assays (PMID: 25917813), meeting PS3_Supporting criteria. In summary, this variants is classified as Likely Pathogenic for autosomal recessive severe combined immunodeficiency due to DCLRE1C deficiency based on the ACMG/AMP criteria applied as specified by the ClinGen SCID VCEP: PM2_Supporting, PM3_Supporting, PP4_Moderate, PP1, PS3_Supporting. (VCEP specifications version 2.1.0).

Literature cited by the submitters: PubMed 25917813.